The following is an entry in ClinVar:

ClinVar aggregate classification (germline): Likely pathogenic (1 of 4 stars; one submission).

Conditions:
Orofaciodigital syndrome I (OFD1). Also called: Papillon-Leage and Psaume Syndrome; Oral-Facial-Digital Syndrome Type I; OFDS I. Identifiers: Orphanet 2750, MedGen C1510460, MONDO:0010702, OMIM 311200.
Joubert syndrome. Also called: Familial aplasia of the vermis; CEREBELLOPARENCHYMAL DISORDER IV; JOUBERT-BOLTSHAUSER SYNDROME. Identifiers: Orphanet 475, MedGen C5979921, MONDO:0018772.

Submissions (2):

Labcorp Genetics (formerly Invitae), Labcorp
Classification: Likely pathogenic for Orofaciodigital syndrome I; Joubert syndrome. Last evaluated: 2018-05-18. Review status: criteria provided, single submitter. Criteria: Invitae Variant Classification Sherloc (09022015). Collection method: clinical testing. Allele origin: germline.
Comment: This variant has not been reported in the literature in individuals with OFD1-related disease. This variant is not present in population databases (ExAC no frequency). This sequence change affects a donor splice site in intron 3 of the OFD1 gene. It is expected to disrupt RNA splicing and likely results in an absent or disrupted protein product. In summary, the currently available evidence indicates that the variant is pathogenic, but additional data are needed to prove that conclusively. Therefore, this variant has been classified as Likely Pathogenic. Donor and acceptor splice site variants typically lead to a loss of protein function (PMID: 16199547), and loss-of-function variants in OFD1 are known to be pathogenic (PMID: 16783569, 18546297, 27081566).

Dr. Peter K. Rogan Lab, Western University
No classification provided (evidence only). Condition: Thyroid cancer, nonmedullary, 1. Review status: no classification provided. Collection method: in vitro. Allele origin: not applicable. Functional consequence: retained intron. Not counted in ClinVar's aggregate classification.

Literature cited by the submitters: PubMed 16199547 (cited by Labcorp Genetics (formerly Invitae), Labcorp); PubMed 16783569 (cited by Labcorp Genetics (formerly Invitae), Labcorp); PubMed 18546297 (cited by Labcorp Genetics (formerly Invitae), Labcorp); PubMed 27081566 (cited by Labcorp Genetics (formerly Invitae), Labcorp).

NM_003611.3(OFD1):c.312+1G>T

Gene: OFD1 (OFD1 centriole and centriolar satellite protein; plus strand). Cytogenetic location: Xp22.2.
Variant type: single nucleotide variant.
Coding change: c.312+1G>T on transcript NM_003611.3 (MANE Select); the canonical splice donor site of the intron after coding-DNA position 312, G replaced by T.
Molecular consequence: splice donor variant.
Genome position (GRCh38, 1-based): chrX:13,736,679, G>T. VCF-style: chrX-13736679-G-T. GRCh37 (hg19) VCF-style: chrX-13754798-G-T.
Other names: c.-234+1G>T (NM_001330210.2); c.312+1G>T (NM_001330209.2).
Identifiers: ClinVar variation 582157 (VCV000582157.8), dbSNP rs1569102786, ClinGen allele CA412333581.